The following is an entry in ClinVar:

NM_003072.5(SMARCA4):c.166A>C (p.Ile56Leu)

Gene: SMARCA4 (SWI/SNF related BAF chromatin remodeling complex subunit ATPase 4; plus strand). Cytogenetic location: 19p13.2.
Variant type: single nucleotide variant.
Coding change: c.166A>C on transcript NM_003072.5 (MANE Select); coding-DNA position 166, A replaced by C.
Protein change: p.Ile56Leu; replaces isoleucine 56 with leucine.
Molecular consequence: missense variant. On other transcripts: non-coding transcript variant (1).
Genome position (GRCh38, 1-based): chr19:10,984,317, A>C. VCF-style: chr19-10984317-A-C. GRCh37 (hg19) VCF-style: chr19-11094993-A-C.
Other names: c.166A>C, p.Ile56Leu (NM_001128844.3, NM_001128845.2, NM_001128846.2 and 6 more transcripts); short protein forms I56L.
Identifiers: ClinVar variation 2136215 (VCV002136215.3), dbSNP rs2085819103, ClinGen allele CA404054524.
Genomic context (GRCh38, chr19:10,984,317, plus strand): 5'-CCGGGCTCCGCCCACAGCATGATGGGGCCCAGCCCAGGGCCGCCCTCAGCAGGACACCCC[A>C]TCCCCACCCAGGGGCCTGGAGGGTACCCTCAGGACAACATGCACCAGATGCACAAGGTAG-3'
Protein context (NP_003063.2, residues 46-66): SPGPPSAGHP[Ile56Leu]PTQGPGGYPQ

ClinVar aggregate classification (germline): Uncertain significance. Review status: criteria provided, multiple submitters, no conflicts (2 of 4 stars). 3 submissions from 3 submitters: Uncertain significance (3). Last evaluated 2026-04-15.

Conditions:
Hereditary cancer-predisposing syndrome. Also called: Neoplastic Syndromes, Hereditary; Hereditary neoplastic syndrome; Tumor predisposition; Hereditary Cancer Syndrome. Identifiers: Orphanet 140162, MedGen C0027672, MeSH D009386, MONDO:0015356.

Submissions (3):

Ambry Genetics
Classification: Uncertain significance for Hereditary cancer-predisposing syndrome. Last evaluated: 2026-04-15. Review status: criteria provided, single submitter. Criteria: Ambry Variant Classification Scheme 2023. Collection method: clinical testing. Allele origin: germline.
Comment: The p.I56L variant (also known as c.166A>C), located in coding exon 1 of the SMARCA4 gene, results from an A to C substitution at nucleotide position 166. The isoleucine at codon 56 is replaced by leucine, an amino acid with highly similar properties. This amino acid position is not well conserved in available vertebrate species. In addition, this alteration is predicted to be tolerated by in silico analysis. Based on the available evidence, the clinical significance of this variant remains unclear.

Blueprint Genetics
Classification: Uncertain significance. Last evaluated: 2022-11-24. Review status: criteria provided, single submitter. Criteria: ACMG Guidelines, 2015. Collection method: clinical testing. Allele origin: germline.

GeneDx
Classification: Uncertain significance. Last evaluated: 2022-07-21. Review status: criteria provided, single submitter. Criteria: GeneDx Variant Classification Process June 2021. Collection method: clinical testing. Allele origin: germline. Affected: yes.
Comment: Not observed at significant frequency in large population cohorts (gnomAD); In silico analysis supports that this missense variant does not alter protein structure/function; Has not been previously published as pathogenic or benign to our knowledge